The following is an entry in ClinVar:

ClinVar aggregate classification (germline): Pathogenic (1 of 4 stars; one submission).

Conditions:
Duchenne muscular dystrophy (DMD). Also called: Duchenne Muscular Dystrophy (DMD); MUSCULAR DYSTROPHY, PSEUDOHYPERTROPHIC PROGRESSIVE, DUCHENNE TYPE. Identifiers: Orphanet 98896, MedGen C0013264, MONDO:0010679, OMIM 310200.

Submission:

Labcorp Genetics (formerly Invitae), Labcorp
Classification: Pathogenic for Duchenne muscular dystrophy. Last evaluated: 2023-07-18. Review status: criteria provided, single submitter. Criteria: Invitae Variant Classification Sherloc (09022015). Collection method: clinical testing. Allele origin: germline.
Comment: A similar copy number variant has been observed in individuals with Duchenne muscular dystrophy (PMID: 21515508, 31705731). This variant is a gross deletion of the genomic region encompassing exon(s) 7 of the DMD gene. This deletion is out-of-frame, and is expected to create a premature termination codon and result in an absent or disrupted protein product. Loss-of-function variants in DMD are known to be pathogenic (PMID: 16770791, 25007885). For these reasons, this variant has been classified as Pathogenic.

Literature cited by the submitters: PubMed 21515508; PubMed 31705731; PubMed 16770791; PubMed 25007885.

NC_000023.10:g.(?_32827590)_(32827748_?)del

Gene: DMD (dystrophin; minus strand). Cytogenetic location: Xp21.1.
Variant type: Deletion.
Identifiers: ClinVar variation 1460455 (VCV001460455.6).